The following is an entry in ClinVar:

NM_016263.4(FZR1):c.1390G>C (p.Asp464His)

Gene: FZR1 (fizzy and cell division cycle 20 related 1; plus strand). Cytogenetic location: 19p13.3.
Variant type: single nucleotide variant.
Coding change: c.1390G>C on transcript NM_016263.4 (MANE Select); coding-DNA position 1390, G replaced by C.
Protein change: p.Asp464His; replaces aspartic acid 464 with histidine.
Molecular consequence: missense variant.
Genome position (GRCh38, 1-based): chr19:3,534,463, G>C. VCF-style: chr19-3534463-G-C. GRCh37 (hg19) VCF-style: chr19-3534461-G-C.
Other names: c.1123G>C, p.Asp375His (NM_001136197.1); c.1390G>C, p.Asp464His (NM_001136198.1); short protein forms D375H, D464H.
Identifiers: ClinVar variation 5037979 (VCV005037979.2).

ClinVar aggregate classification (germline): Uncertain significance (1 of 4 stars; one submission).

Conditions:
Developmental and epileptic encephalopathy 109 (DEE109). Identifiers: MedGen C5774263, MONDO:0859325, OMIM 620145.

Submission:

Juno Genomics, Hangzhou Juno Genomics, Inc
Classification: Uncertain significance for Developmental and epileptic encephalopathy 109. Review status: criteria provided, single submitter. Criteria: ACMG Guidelines, 2015. Collection method: clinical testing. Allele origin: germline.
Comment: Absent from controls (or at extremely low frequency if recessive) in Genome Aggregation Database.;Missense variant in a gene that has a low rate of benign missense variation.;Multiple lines of computational evidence support a deleterious effect on the gene or gene product.